The following is an entry in ClinVar:

ClinVar aggregate classification (germline): Uncertain significance (0 of 4 stars; one submission).

Conditions:
SEMA3B-related disorder. Also called: SEMA3B-related condition.

Submission:

PreventionGenetics, part of Exact Sciences
Classification: Uncertain significance for SEMA3B-related condition. Last evaluated: 2024-08-06. Review status: no assertion criteria provided. Collection method: clinical testing. Allele origin: germline.
Comment: The SEMA3B c.1860+5G>T variant is predicted to interfere with splicing. To our knowledge, this variant has not been reported in the literature. This variant is reported in 0.0031% of alleles in individuals of Latino descent in gnomAD. At this time, the clinical significance of this variant is uncertain due to the absence of conclusive functional and genetic evidence.

NM_001290060.2(SEMA3B):c.1845+5G>T

Gene: SEMA3B (semaphorin 3B; plus strand). Cytogenetic location: 3p21.31.
Variant type: single nucleotide variant.
Coding change: c.1845+5G>T on transcript NM_001290060.2 (MANE Select); 5 bases into the intron after coding-DNA position 1845, G replaced by T.
Molecular consequence: intron variant.
Genome position (GRCh38, 1-based): chr3:50,275,849, G>T. VCF-style: chr3-50275849-G-T. GRCh37 (hg19) VCF-style: chr3-50313280-G-T.
Other names: c.1845+5G>T (NM_004636.4); c.1842+5G>T (NM_001005914.3); c.1860+5G>T (NM_001290061.1); c.816+5G>T (NM_001290062.2, NM_001290063.2).
Identifiers: ClinVar variation 3355731 (VCV003355731.1).